The following is an entry in ClinVar:

NM_006420.3(ARFGEF2):c.3463A>G (p.Ile1155Val)

Gene: ARFGEF2 (ARF guanine nucleotide exchange factor 2; plus strand). Cytogenetic location: 20q13.13.
Variant type: single nucleotide variant.
Coding change: c.3463A>G on transcript NM_006420.3 (MANE Select); coding-DNA position 3463, A replaced by G.
Protein change: p.Ile1155Val; replaces isoleucine 1155 with valine.
Molecular consequence: missense variant.
Genome position (GRCh38, 1-based): chr20:49,005,100, A>G. VCF-style: chr20-49005100-A-G. GRCh37 (hg19) VCF-style: chr20-47621637-A-G.
Other names: c.3460A>G, p.Ile1154Val (NM_001410846.1); short protein forms I1154V, I1155V.
Identifiers: ClinVar variation 2766629 (VCV002766629.2), dbSNP rs141326036, ClinGen allele CA9898951.

ClinVar aggregate classification (germline): Uncertain significance (1 of 4 stars; one submission).

Allele frequency attached by ClinVar (database versions not stated): TOPMed 0.00006; gnomAD 0.00019; ExAC 0.00013; ESP Exome Variant Server 0.00008.
gnomAD v4.1: 128 of 1,614,046 alleles (0.0079%); highest among the groups gnomAD compares: Middle Eastern, 0.033%; no homozygotes.

Submission:

Labcorp Genetics (formerly Invitae), Labcorp
Classification: Uncertain significance. Last evaluated: 2025-12-08. Review status: criteria provided, single submitter. Criteria: Invitae Variant Classification Sherloc (09022015). Collection method: clinical testing. Allele origin: germline.
Comment: This sequence change replaces isoleucine, which is neutral and non-polar, with valine, which is neutral and non-polar, at codon 1155 of the ARFGEF2 protein (p.Ile1155Val). This variant is present in population databases (rs141326036, gnomAD 0.07%). This variant has not been reported in the literature in individuals affected with ARFGEF2-related conditions. ClinVar contains an entry for this variant (Variation ID: 2766629). An algorithm developed to predict the effect of missense changes on protein structure and function (PolyPhen-2) suggests that this variant is likely to be tolerated. In summary, the available evidence is currently insufficient to determine the role of this variant in disease. Therefore, it has been classified as a Variant of Uncertain Significance.